The following is an entry in ClinVar:

ClinVar aggregate classification (germline): Likely benign. Review status: criteria provided, multiple submitters, no conflicts (2 of 4 stars). 3 submissions from 3 submitters: Likely benign (3). Last evaluated 2019-07-11.

Conditions:
Inborn genetic diseases. Identifiers: MedGen C0950123, MeSH D030342.

Allele frequency attached by ClinVar (database versions not stated): gnomAD exomes below 0.00001 and 0.00001; ExAC 0.00001; gnomAD 0.00001; TOPMed 0.00001; ESP Exome Variant Server 0.00008.
gnomAD v4.1: 6 of 1,614,090 alleles (0.00037%); highest among the groups gnomAD compares: Middle Eastern, 0.066%; no homozygotes.

Submissions (3):

Ambry Genetics
Classification: Likely benign for Inborn genetic diseases. Last evaluated: 2019-07-11. Review status: criteria provided, single submitter. Criteria: Ambry Variant Classification Scheme 2023. Collection method: clinical testing. Allele origin: germline.

Labcorp Genetics (formerly Invitae), Labcorp
Classification: Likely benign. Last evaluated: 2017-10-09. Review status: criteria provided, single submitter. Criteria: Invitae Variant Classification Sherloc (09022015). Collection method: clinical testing. Allele origin: germline.

GeneDx
Classification: Likely benign. Last evaluated: 2015-12-18. Review status: criteria provided, single submitter. Criteria: GeneDx Variant Classification (06012015). Collection method: clinical testing. Allele origin: germline. Affected: yes.
Comment: This variant is considered likely benign or benign based on one or more of the following criteria: it is a conservative change, it occurs at a poorly conserved position in the protein, it is predicted to be benign by multiple in silico algorithms, and/or has population frequency not consistent with disease.

NM_024577.4(SH3TC2):c.2940C>T (p.Cys980=)

Gene: SH3TC2 (SH3 domain and tetratricopeptide repeats 2; minus strand). Cytogenetic location: 5q32.
Variant type: single nucleotide variant.
Coding change: c.2940C>T on transcript NM_024577.4 (MANE Select); coding-DNA position 2940, C replaced by T.
Protein change: p.Cys980=; no amino-acid change (cysteine 980 retained).
Molecular consequence: synonymous variant.
Genome position (GRCh38, 1-based): chr5:149,026,685, G>A on the plus strand (C>T on the coding strand, the complement: SH3TC2 is on the minus strand). VCF-style: chr5-149026685-G-A. GRCh37 (hg19) VCF-style: chr5-148406248-G-A.
Identifiers: ClinVar variation 382125 (VCV000382125.6), dbSNP rs140104134, ClinGen allele CA3498892.
Genomic context (GRCh38, chr5:149,026,685, plus strand): 5'-TTCCATCTCCCGGTCCCTGAGTTGCTGAGCCAGGGCCAGCCAGTGCTCATGGTAGGTGAT[G>A]CATGCCTCAGGGTTTGGGGACACAGAGCTGTAGAAATGGCAGAGGGATTTGGTGGCCTGA-3'
Protein context (NP_078853.2, residues 970-990): YSSVSPNPEA[Cys980=]ITYHEHWLAL